The following is an entry in ClinVar:

ClinVar aggregate classification (germline): Uncertain significance (1 of 4 stars; one submission).

Conditions:
Spastic paraplegia. Identifiers: MedGen C0037772, HP:0001258.

Allele frequency attached by ClinVar (database versions not stated): gnomAD exomes 0.00007 and 0.00003; gnomAD 0.00001; ExAC 0.00007.
gnomAD v4.1: 50 of 1,613,682 alleles (0.0031%); highest among the groups gnomAD compares: South Asian, 0.052%; 1 homozygote.

Submission:

Labcorp Genetics (formerly Invitae), Labcorp
Classification: Uncertain significance for Spastic paraplegia. Last evaluated: 2024-03-07. Review status: criteria provided, single submitter. Criteria: Invitae Variant Classification Sherloc (09022015). Collection method: clinical testing. Allele origin: germline.
Comment: This sequence change replaces proline, which is neutral and non-polar, with serine, which is neutral and polar, at codon 7 of the VAMP1 protein (p.Pro7Ser). This variant is present in population databases (rs773396496, gnomAD 0.05%). This variant has not been reported in the literature in individuals affected with VAMP1-related conditions. ClinVar contains an entry for this variant (Variation ID: 1392306). An algorithm developed to predict the effect of missense changes on protein structure and function (PolyPhen-2) suggests that this variant is likely to be tolerated. In summary, the available evidence is currently insufficient to determine the role of this variant in disease. Therefore, it has been classified as a Variant of Uncertain Significance.

NM_014231.5(VAMP1):c.19C>T (p.Pro7Ser)

Genes: VAMP1 (vesicle associated membrane protein 1; minus strand), TAPBPL (TAP binding protein like; plus strand). Cytogenetic location: 12p13.31.
Variant type: single nucleotide variant.
Coding change: c.19C>T on transcript NM_014231.5 (MANE Select); coding-DNA position 19, C replaced by T.
Protein change: p.Pro7Ser; replaces proline 7 with serine.
Molecular consequence: missense variant.
Genome position (GRCh38, 1-based): chr12:6,466,335, G>A on the plus strand (C>T on the coding strand, the complement: VAMP1 is on the minus strand). VCF-style: chr12-6466335-G-A. GRCh37 (hg19) VCF-style: chr12-6575501-G-A.
Other names: c.19C>T, p.Pro7Ser (NM_001297438.2, NM_016830.4, NM_199245.3); short protein forms P7S.
Identifiers: ClinVar variation 1392306 (VCV001392306.6), dbSNP rs773396496, ClinGen allele CA6407730.